The following is an entry in ClinVar:

NM_175634.3(RUNX1T1):c.217C>G (p.Pro73Ala)

Gene: RUNX1T1 (RUNX1 partner transcriptional co-repressor 1; minus strand). Cytogenetic location: 8q21.3.
Variant type: single nucleotide variant.
Coding change: c.217C>G on transcript NM_175634.3 (MANE Select); coding-DNA position 217, C replaced by G.
Protein change: p.Pro73Ala; replaces proline 73 with alanine.
Molecular consequence: missense variant.
Genome position (GRCh38, 1-based): chr8:92,017,235, G>C on the plus strand (C>G on the coding strand, the complement: RUNX1T1 is on the minus strand). VCF-style: chr8-92017235-G-C. GRCh37 (hg19) VCF-style: chr8-93029463-G-C.
Other names: c.136C>G, p.Pro46Ala (NM_001198625.2, NM_001198632.2, NM_004349.4); c.217C>G, p.Pro73Ala (NM_001198626.2, NM_001198627.2, NM_001198628.2 and 3 more transcripts); c.157C>G, p.Pro53Ala (NM_001198633.2); c.250C>G, p.Pro84Ala (NM_001198634.2); c.394C>G, p.Pro132Ala (NM_001198679.3); c.301C>G, p.Pro101Ala (NM_001395209.1); c.106C>G, p.Pro36Ala (NM_175635.3, NM_175636.2); short protein forms P101A, P132A, P36A, P46A, P53A, P73A, P84A.
Identifiers: ClinVar variation 4282184 (VCV004282184.1).
Genomic context (GRCh38, chr8:92,017,235, plus strand): 5'-TTTAATTTAAACTTTAAAACTGAAACTCAAAAGCCTGAAATGACTACTTACACGTTGTCG[G>C]TGTAAATGAACTGGTTCTTGGAGCTCCTTGAGTAGTTGGGGGAGGTGGCATTGTTGGAGG-3'
Protein context (NP_783552.1, residues 63-83): QGAPRTSSFT[Pro73Ala]TTLTNGTSHS

ClinVar aggregate classification (germline): Uncertain significance (1 of 4 stars; one submission).

Submission:

GeneDx
Classification: Uncertain significance. Last evaluated: 2025-04-14. Review status: criteria provided, single submitter. Criteria: GeneDx Variant Classification Process June 2021. Collection method: clinical testing. Allele origin: germline. Affected: yes.
Comment: Not observed at significant frequency in large population cohorts (gnomAD); In silico analysis supports that this missense variant has a deleterious effect on protein structure/function; Has not been previously published as pathogenic or benign to our knowledge